The following is an entry in ClinVar:

ClinVar aggregate classification (germline): Pathogenic (1 of 4 stars; one submission).

Submission:

Labcorp Genetics (formerly Invitae), Labcorp
Classification: Pathogenic. Last evaluated: 2023-07-17. Review status: criteria provided, single submitter. Criteria: Invitae Variant Classification Sherloc (09022015). Collection method: clinical testing. Allele origin: unknown.
Comment: A gross deletion of the genomic region encompassing the full coding sequence of the BMP2 gene has been identified. Loss-of-function variants in BMP2 are known to be pathogenic (PMID: 29198724). The boundaries of this event are unknown as they extend beyond the assayed region for this gene and therefore may encompass additional genes. A similar copy number variant has been observed in individual(s) with clinical features of BMP2-related conditions (PMID: 18812404, 21671386). For these reasons, this variant has been classified as Pathogenic.

Literature cited by the submitters: PubMed 29198724; PubMed 18812404; PubMed 21671386.

NC_000020.10:g.(?_6302016)_(7096518_?)del

Gene: BMP2 (bone morphogenetic protein 2; plus strand). Cytogenetic location: 20p12.3.
Variant type: Deletion.
Identifiers: ClinVar variation 3248323 (VCV003248323.1).